The following is an entry in ClinVar:

NM_000540.3(RYR1):c.14473C>T (p.Arg4825Cys)

Gene: RYR1 (ryanodine receptor 1; plus strand). Cytogenetic location: 19q13.2.
Variant type: single nucleotide variant.
Coding change: c.14473C>T on transcript NM_000540.3 (MANE Select); coding-DNA position 14473, C replaced by T.
Protein change: p.Arg4825Cys; replaces arginine 4825 with cysteine.
Molecular consequence: missense variant.
Genome position (GRCh38, 1-based): chr19:38,580,090, C>T. VCF-style: chr19-38580090-C-T. GRCh37 (hg19) VCF-style: chr19-39070730-C-T.
Other names: c.14458C>T, p.Arg4820Cys (NM_001042723.2); short protein forms R4825C, R4820C.
Identifiers: ClinVar variation 65985 (VCV000065985.13), dbSNP rs118192180, ClinGen allele CA024150.

ClinVar aggregate classification (germline): Pathogenic/Likely pathogenic. Review status: criteria provided, multiple submitters, no conflicts (2 of 4 stars). 6 submissions from 6 submitters: Pathogenic (1); Likely pathogenic (2). 3 of the submissions do not count toward it. Last evaluated 2025-11-24.

Conditions:
Lynch syndrome 5 (LYNCH5). Also called: Colorectal cancer, hereditary nonpolyposis, type 5; Hereditary non-polyposis colorectal cancer, type 5. Identifiers: Orphanet 144, MedGen C1833477, MONDO:0013710, OMIM 614350. Disease mechanism: loss of function.
RYR1-related disorder. Also called: RYR1-related disorders; RYR1-related condition. Identifiers: MedGen CN239331.
Central core myopathy (CMYO1A). Also called: CONGENITAL MYOPATHY 1A, AUTOSOMAL DOMINANT, WITH SUSCEPTIBILITY TO MALIGNANT HYPERTHERMIA; Central core disease; Myopathy, central fibrillar. Identifiers: Orphanet 597, MedGen C5830701, MONDO:0007294, OMIM 117000.
Malignant hyperthermia, susceptibility to, 1 (MHS1). Also called: Anesthesia related hyperthermia; Malignant hyperpyrexia; Fulminating hyperpyrexia; Pharmacogenic myopathy; RYR1-Related Malignant Hyperthermia Susceptibility; Malignant hyperthermia suceptibility 1. Identifiers: Orphanet 423, MedGen C2930980, MONDO:0007783, OMIM 145600.

Allele frequency attached by ClinVar (database versions not stated): gnomAD exomes below 0.00001; TOPMed 0.00002.
gnomAD v4.1: 6 of 1,614,040 alleles (0.00037%); highest among the groups gnomAD compares: African/African-American, 0.0013%; no homozygotes.

Submissions (6):

Labcorp Genetics (formerly Invitae), Labcorp
Classification: Pathogenic for RYR1-related disorder. Last evaluated: 2025-11-24. Review status: criteria provided, single submitter. Criteria: Invitae Variant Classification Sherloc (09022015). Collection method: clinical testing. Allele origin: germline.
Comment: This sequence change replaces arginine, which is basic and polar, with cysteine, which is neutral and slightly polar, at codon 4825 of the RYR1 protein (p.Arg4825Cys). This variant is not present in population databases (gnomAD no frequency). This missense change has been observed in individual(s) with autosomal dominant malignant hyperthermia and/or central core disease and clinical features of autosomal recessive RYR1-related conditions (PMID: 11709545, 17204937, 35081925, 35428369, 36283893). It has also been observed to segregate with disease in related individuals. ClinVar contains an entry for this variant (Variation ID: 65985). Invitae Evidence Modeling of protein sequence and biophysical properties (such as structural, functional, and spatial information, amino acid conservation, physicochemical variation, residue mobility, and thermodynamic stability) indicates that this missense variant is expected to disrupt RYR1 protein function with a positive predictive value of 80%. This variant disrupts the p.Arg4825 amino acid residue in RYR1. Other variant(s) that disrupt this residue have been observed in individuals with RYR1-related conditions (PMID: 16917943, 36283893), which suggests that this may be a clinically significant amino acid residue. For these reasons, this variant has been classified as Pathogenic.

GeneDx
Classification: Likely pathogenic. Last evaluated: 2024-12-04. Review status: criteria provided, single submitter. Criteria: GeneDx Variant Classification Process June 2021. Collection method: clinical testing. Allele origin: germline. Affected: yes.
Comment: In silico analysis supports that this missense variant has a deleterious effect on protein structure/function; Not observed at significant frequency in large population cohorts (gnomAD); This variant is associated with the following publications: (PMID: 23476141, 25747005, 35698866, 27666373, 32047230, 17204937, 12732639, 20681998, 33767344, 16550918, 35428369, 35081925, 35693006, 15448513, 11709545)

Clinical Genomics Laboratory, Washington University in St. Louis
Classification: Likely pathogenic for Lynch syndrome 5. Last evaluated: 2023-12-26. Review status: criteria provided, single submitter. Criteria: ACMG Guidelines, 2015. Collection method: clinical testing. Allele origin: germline.
Comment: The RYR1 c.14473C>T (p.Arg4825Cys) has been reported in at least two individuals affected with central core disease and/or malignant hyperthermia and segregated with disease in at least two individuals in one family (Herasse M et al., PMID: 17204937; Monnier N et al., PMID: 11709545). Another variant in the same codon, c.14474G>C (p.Arg4825Pro), has been reported in affected individuals (Robinson R et al., PMID: 16917943). This variant has been reported in the ClinVar database as a germline pathogenic variant for RYR-related disorders by one submitter. Based on available information and the ACMG/AMP guidelines for variant interpretation (Richards S et al., PMID: 25741868), this variant is classified as likely pathogenic.

GeneReviews
Classification: Pathogenic for Central Core Disease. Last evaluated: 2010-05-11. Review status: no assertion criteria provided. Collection method: curation. Allele origin: unknown. Not counted in ClinVar's aggregate classification.
ClinVar note: Converted during submission from pathologic to Pathogenic.

RYR1 database
No classification provided. Review status: no classification provided. Collection method: not provided. Allele origin: unknown. Not counted in ClinVar's aggregate classification.

All of Us Research Program, National Institutes of Health
Classification: Uncertain significance for Malignant hyperthermia, susceptibility to, 1. Last evaluated: 2024-07-20. Review status: flagged submission. Criteria: ACMG Guidelines, 2015. Collection method: clinical testing. Allele origin: germline. Inheritance: Autosomal dominant inheritance. Observed: 3 variant alleles, 3 heterozygotes. Not counted in ClinVar's aggregate classification.
Comment: This missense variant replaces arginine with cysteine at codon 4825 of the RYR1 protein. Computational prediction suggests that this variant may have deleterious impact on protein structure and function (internally defined REVEL score threshold >= 0.7, PMID: 27666373). Although functional studies have not been reported for this variant, it occurs in a region of RYR1 considered to be a hotspot for pathogenic variants that contribute to malignant hyperthermia susceptibility (PMID: 21118704). This variant has not been reported in individuals affected with malignant hyperthermia in the literature. This variant has not been identified in the general population by the Genome Aggregation Database (gnomAD). The available evidence is insufficient to determine the role of this variant in disease conclusively. Therefore, this variant is classified as a Variant of Uncertain Significance.

This study involves interpretation of variants in research participants for the purpose of population health screening. Participant phenotype was not available at the time of variant classification. Additional details can be found in publication PMID: 35346344, PMCID: PMC8962531
ClinVar note: Reason: Unnecessary conflicting claim for distinct condition when other classifications are more relevant

Literature cited by the submitters: PubMed 11709545 (cited by Labcorp Genetics (formerly Invitae), Labcorp); PubMed 17204937 (cited by Labcorp Genetics (formerly Invitae), Labcorp); PubMed 35081925 (cited by Labcorp Genetics (formerly Invitae), Labcorp); PubMed 35428369 (cited by Labcorp Genetics (formerly Invitae), Labcorp); PubMed 36283893 (cited by Labcorp Genetics (formerly Invitae), Labcorp); PubMed 16917943 (cited by Labcorp Genetics (formerly Invitae), Labcorp); PubMed 21118704 (cited by All of Us Research Program, National Institutes of Health).